The following is an entry in ClinVar:

NM_001374736.1(DST):c.5077T>C (p.Ser1693Pro)

Gene: DST (dystonin; minus strand). Cytogenetic location: 6p12.1.
Variant type: single nucleotide variant.
Coding change: c.5077T>C on transcript NM_001374736.1 (MANE Select); coding-DNA position 5077, T replaced by C.
Protein change: p.Ser1693Pro; replaces serine 1693 with proline.
Molecular consequence: missense variant.
Genome position (GRCh38, 1-based): chr6:56,611,578, A>G on the plus strand (T>C on the coding strand, the complement: DST is on the minus strand). VCF-style: chr6-56611578-A-G. GRCh37 (hg19) VCF-style: chr6-56476376-A-G.
Other names: c.4978T>C, p.Ser1660Pro (NM_001144769.5); c.4564T>C, p.Ser1522Pro (NM_001144770.2); c.5077T>C, p.Ser1693Pro (NM_001374722.1); c.4444T>C, p.Ser1482Pro (NM_001374729.1, NM_001374730.1, NM_183380.4); c.5104T>C, p.Ser1702Pro (NM_001374734.1); c.3466T>C, p.Ser1156Pro (NM_015548.5); short protein forms S1522P, S1702P, S1482P, S1660P, S1693P, S1156P.
Identifiers: ClinVar variation 967982 (VCV000967982.8), dbSNP rs763799764, ClinGen allele CA3869807.
Genomic context (GRCh38, chr6:56,611,578, plus strand): 5'-GTTTTGCCAAAAAAAGCTGTATAGTTTGAAGTGCTTCCGATAATTGTTCCTTCTTGGTTG[A>G]TATTTCCTCACTGGAAATCTGTAAGGTAAAGAAGGCACATTCAAACTCTTCCTCCAAAAG-3'
Protein context (NP_001361665.1, residues 1683-1703): SKQKISSEEI[Ser1693Pro]TKKEQLSEAL

ClinVar aggregate classification (germline): Uncertain significance (1 of 4 stars; one submission).

Conditions:
Hereditary sensory and autonomic neuropathy type 6. Also called: Neuropathy, hereditary sensory and autonomic, type VI; HSAN VI. Identifiers: Orphanet 314381, MedGen C3539003, MONDO:0013839, OMIM 614653.
Epidermolysis bullosa simplex 3, localized or generalized intermediate, with BP230 deficiency (EBS3). Also called: Epidermolysis bullosa simplex, autosomal recessive 2; Epidermolysis bullosa simplex due to BP230 deficiency. Identifiers: Orphanet 412181, MedGen C3809470, MONDO:0014180, OMIM 615425.

Allele frequency attached by ClinVar (database versions not stated): gnomAD 0.00001; TOPMed 0.00002.
gnomAD v4.1: 20 of 1,612,346 alleles (0.0012%); highest among the groups gnomAD compares: Admixed American, 0.025%; no homozygotes.

Submission:

Labcorp Genetics (formerly Invitae), Labcorp
Classification: Uncertain significance for Epidermolysis bullosa simplex 3, localized or generalized intermediate, with BP230 deficiency; Hereditary sensory and autonomic neuropathy type 6. Last evaluated: 2025-11-25. Review status: criteria provided, single submitter. Criteria: Invitae Variant Classification Sherloc (09022015). Collection method: clinical testing. Allele origin: germline.
Comment: The DST gene has multiple clinically relevant transcripts. This variant occurs in alternate transcript NM_015548.4, and corresponds to NM_001723.5:c.*3939T>C in the primary transcript. This sequence change replaces serine, which is neutral and polar, with proline, which is neutral and non-polar, at codon 1156 of the DST protein (p.Ser1156Pro). This variant is present in population databases (rs763799764, gnomAD 0.03%). This variant has not been reported in the literature in individuals affected with DST-related conditions. ClinVar contains an entry for this variant (Variation ID: 967982). Experimental studies and prediction algorithms are not available or were not evaluated, and the functional significance of this variant is currently unknown. In summary, the available evidence is currently insufficient to determine the role of this variant in disease. Therefore, it has been classified as a Variant of Uncertain Significance.